The following is an entry in ClinVar:

ClinVar aggregate classification (germline): Likely benign. Review status: criteria provided, single submitter (1 of 4 stars). 2 submissions from 2 submitters: Likely benign (1). 1 of the submissions does not count toward it. Last evaluated 2019-12-31.

Conditions:
SEMA3D-related disorder. Also called: SEMA3D-related condition.

Allele frequency attached by ClinVar (database versions not stated): TOPMed 0.00018; gnomAD exomes 0.00028; gnomAD 0.00030 and 0.00032; ExAC 0.00033; ESP Exome Variant Server 0.00038; 1000 Genomes Project 0.00060; 1000 Genomes Project 30x 0.00078.
gnomAD v4.1: 482 of 1,611,914 alleles (0.03%); highest among the groups gnomAD compares: South Asian, 0.087%; no homozygotes.

Submissions (2):

Labcorp Genetics (formerly Invitae), Labcorp
Classification: Likely benign. Last evaluated: 2019-12-31. Review status: criteria provided, single submitter. Criteria: Invitae Variant Classification Sherloc (09022015). Collection method: clinical testing. Allele origin: germline.

PreventionGenetics, part of Exact Sciences
Classification: Likely benign for SEMA3D-related condition. Last evaluated: 2021-11-12. Review status: no assertion criteria provided. Collection method: clinical testing. Allele origin: germline. Not counted in ClinVar's aggregate classification.
Comment: This variant is classified as likely benign based on ACMG/AMP sequence variant interpretation guidelines (Richards et al. 2015 PMID: 25741868, with internal and published modifications).

NM_001384900.1(SEMA3D):c.1611T>C (p.Tyr537=)

Gene: SEMA3D (semaphorin 3D; minus strand). Cytogenetic location: 7q21.11.
Variant type: single nucleotide variant.
Coding change: c.1611T>C on transcript NM_001384900.1 (MANE Select); coding-DNA position 1611, T replaced by C.
Protein change: p.Tyr537=; no amino-acid change (tyrosine 537 retained).
Molecular consequence: synonymous variant.
Genome position (GRCh38, 1-based): chr7:85,015,151, A>G on the plus strand (T>C on the coding strand, the complement: SEMA3D is on the minus strand). VCF-style: chr7-85015151-A-G. GRCh37 (hg19) VCF-style: chr7-84644467-A-G.
Other names: c.1611T>C, p.Tyr537= (NM_001384901.1, NM_001384902.1, NM_001384903.1 and 1 more transcripts).
Identifiers: ClinVar variation 745325 (VCV000745325.6), dbSNP rs149512713, ClinGen allele CA4323355.